The following is an entry in ClinVar:

NM_002878.4(RAD51D):c.973_981del (p.Gly325_Gln327del)

Genes: RAD51D (RAD51 paralog D; minus strand), RAD51L3-RFFL (RAD51L3-RFFL readthrough; minus strand). Cytogenetic location: 17q12.
Variant type: Deletion.
Coding change: c.973_981del on transcript NM_002878.4 (MANE Select); coding-DNA positions 973 to 981, 9 bases deleted (GGTGATCAG; older notation c.973_981delGGTGATCAG).
Protein change: p.Gly325_Gln327del.
Molecular consequence: inframe indel (on NM_002878.3). On other transcripts: non-coding transcript variant (2).
Genome position (GRCh38, 1-based): chr17:35,100,959-35,100,967, CTGATCACC deleted on the plus strand (GGTGATCAG on the coding strand, the reverse complement: RAD51D is on the minus strand); deleting any 9 consecutive bases within chr17:35,100,959-35,100,970 gives the same sequence; the c. name uses the placement nearest the transcript's 3' end. VCF-style (leftmost placement, unchanged base first): chr17-35100958-TCTGATCACC-T. GRCh37 (hg19) VCF-style: chr17-33427977-TCTGATCACC-T.
Other names: c.973_981delGGTGATCAG (NM_002878.3); c.1033_1041del, p.Gly345_Gln347del (NM_001142571.2); c.637_645del, p.Gly213_Gln215del (NM_133629.3).
Identifiers: ClinVar variation 5027846 (VCV005027846.1).

ClinVar aggregate classification (germline): Uncertain significance (1 of 4 stars; one submission).

Conditions:
Hereditary cancer-predisposing syndrome. Also called: Neoplastic Syndromes, Hereditary; Tumor predisposition; Hereditary neoplastic syndrome; Hereditary Cancer Syndrome. Identifiers: Orphanet 140162, MedGen C0027672, MeSH D009386, MONDO:0015356.

Submission:

Ambry Genetics
Classification: Uncertain significance for Hereditary cancer-predisposing syndrome. Last evaluated: 2026-07-20. Review status: criteria provided, single submitter. Criteria: Ambry Variant Classification Scheme 2023. Collection method: clinical testing. Allele origin: germline.
Comment: The c.973_981delGGTGATCAG variant (also known as p.G325_Q327del) is located in coding exon 10 of the RAD51D gene. This variant results from an in-frame GGTGATCAG deletion at nucleotide positions 973 to 981. This results in the in-frame deletion of three amino acids at codons 325 to 327. This amino acid region is not well conserved in available vertebrate species. In addition, the in silico prediction for this variant is inconclusive (Choi Y et al. PLoS ONE. 2012; 7(10):e46688). Based on the available evidence, the clinical significance of this variant remains unclear.